The following is an entry in ClinVar:

ClinVar aggregate classification (germline): Pathogenic (1 of 4 stars; one submission).

Conditions:
Hereditary cancer-predisposing syndrome. Also called: Hereditary Cancer Syndrome; Neoplastic Syndromes, Hereditary; Tumor predisposition; Hereditary neoplastic syndrome. Identifiers: Orphanet 140162, MedGen C0027672, MeSH D009386, MONDO:0015356.

Submission:

Color Diagnostics, LLC DBA Color Health
Classification: Pathogenic for Hereditary cancer-predisposing syndrome. Last evaluated: 2021-03-31. Review status: criteria provided, single submitter. Criteria: ACMG Guidelines, 2015. Collection method: clinical testing. Allele origin: germline.
Comment: This variant inserts 1 nucleotide in exon 15 in the BRCA1 gene, creating a frameshift and premature translation stop signal. This variant is expected to result in an absent or non-functional protein product. To our knowledge, functional studies have not been reported for this variant. This variant has not been reported in individuals affected with hereditary cancer in the literature. This variant has not been identified in the general population by the Genome Aggregation Database (gnomAD). Loss of BRCA1 function is a known mechanism of disease. Based on the available evidence, this variant is classified as Pathogenic.

NM_007294.4(BRCA1):c.4986dup (p.Met1663fs)

Gene: BRCA1 (BRCA1 DNA repair associated; minus strand). Cytogenetic location: 17q21.31.
Variant type: Duplication.
Coding change: c.4986dup on transcript NM_007294.4 (MANE Select); coding-DNA position 4986, one base duplicated (T; older notation c.4986dupT).
Protein change: p.Met1663fs; shifts the reading frame from methionine 1663.
Molecular consequence: frameshift variant. On other transcripts: non-coding transcript variant (1).
Genome position (GRCh38, 1-based): chr17:43,070,928, A duplicated on the plus strand (T on the coding strand, the reverse complement: BRCA1 is on the minus strand); the first of 3 consecutive A bases (chr17:43,070,928-43,070,930); duplicating any one gives the same sequence. VCF-style (leftmost placement, unchanged base first): chr17-43070927-C-CA. GRCh37 (hg19) VCF-style: chr17-41222944-C-CA.
Other names: c.4986dupT (NM_007294.3); c.4986dup (NM_007294.3); c.4858dup, p.Met1621Tyrfs (NM_001407677.1, NM_001407678.1, NM_001407679.1 and 11 more transcripts); c.4855dup, p.Met1620Tyrfs (NM_001407681.1, NM_001407682.1, NM_001407683.1 and 6 more transcripts); c.4984dup, p.Met1663Tyrfs (NM_001407684.1, NM_001407854.1, NM_001407593.1 and 8 more transcripts); c.4852dup, p.Met1619Tyrfs (NM_001407690.1, NM_001407691.1); c.4843dup, p.Met1616Tyrfs (NM_001407692.1, NM_001407694.1, NM_001407695.1 and 12 more transcripts); c.4840dup, p.Met1615Tyrfs (NM_001407732.1, NM_001407733.1, NM_001407734.1 and 21 more transcripts); and 75 more; short protein forms M559fs, M1684fs, M1616fs, M1663fs.
Identifiers: ClinVar variation 491092 (VCV000491092.4), dbSNP rs1555580601, ClinGen allele CA658684112.